The following is an entry in ClinVar:

NM_000264.5(PTCH1):c.1473C>T (p.Ile491=)

Gene: PTCH1 (patched 1; minus strand). Cytogenetic location: 9q22.32.
Variant type: single nucleotide variant.
Coding change: c.1473C>T on transcript NM_000264.5 (MANE Select); coding-DNA position 1473, C replaced by T.
Protein change: p.Ile491=; no amino-acid change (isoleucine 491 retained).
Molecular consequence: synonymous variant. On other transcripts: non-coding transcript variant (1), intron variant (1).
Genome position (GRCh38, 1-based): chr9:95,477,577, G>A on the plus strand (C>T on the coding strand, the complement: PTCH1 is on the minus strand). VCF-style: chr9-95477577-G-A. GRCh37 (hg19) VCF-style: chr9-98239859-G-A.
Other names: c.1473C>T (NM_000264.4); c.1275C>T, p.Ile425= (NM_001083602.3); c.1470C>T, p.Ile490= (NM_001083603.3); c.1020C>T, p.Ile340= (NM_001083604.3, NM_001083605.3, NM_001083606.3 and 1 more transcripts); c.1347+478C>T (NM_001354918.2).
Identifiers: ClinVar variation 415486 (VCV000415486.22), dbSNP rs768183391, ClinGen allele CA5138650.

ClinVar aggregate classification (germline): Benign/Likely benign. Review status: criteria provided, multiple submitters, no conflicts (2 of 4 stars). 5 submissions from 5 submitters: Benign (1); Likely benign (4). Last evaluated 2026-02-01.

Conditions:
Hereditary cancer-predisposing syndrome. Also called: Tumor predisposition; Hereditary neoplastic syndrome; Hereditary Cancer Syndrome; Neoplastic Syndromes, Hereditary. Identifiers: Orphanet 140162, MedGen C0027672, MeSH D009386, MONDO:0015356.
Gorlin syndrome. Also called: Nevoid Basal Cell Carcinoma Syndrome; Basal cell nevus syndrome. Identifiers: Orphanet 377, MedGen C0004779, MONDO:0007187.

Allele frequency attached by ClinVar (database versions not stated): TOPMed 0.00001; gnomAD 0.00003.
gnomAD v4.1: 91 of 1,614,038 alleles (0.0056%); highest among the groups gnomAD compares: East Asian, 0.011%; no homozygotes.

Submissions (5):

CeGaT Center for Human Genetics Tuebingen
Classification: Likely benign. Last evaluated: 2026-02-01. Review status: criteria provided, single submitter. Criteria: CeGaT Center For Human Genetics Tuebingen Variant Classification Criteria Version 2. Collection method: clinical testing. Allele origin: germline. Affected: yes. Observed: 1 variant allele.
Comment: PTCH1: BP4, BP7

Labcorp Genetics (formerly Invitae), Labcorp
Classification: Likely benign for Gorlin syndrome. Last evaluated: 2025-11-24. Review status: criteria provided, single submitter. Criteria: Invitae Variant Classification Sherloc (09022015). Collection method: clinical testing. Allele origin: germline.

Quest Diagnostics Nichols Institute San Juan Capistrano
Classification: Benign. Last evaluated: 2025-09-02. Review status: criteria provided, single submitter. Criteria: Quest Diagnostics criteria. Collection method: clinical testing. Allele origin: unknown.

Blueprint Genetics
Classification: Likely benign. Last evaluated: 2024-07-17. Review status: criteria provided, single submitter. Criteria: ACMG Guidelines, 2015. Collection method: clinical testing. Allele origin: germline.

Ambry Genetics
Classification: Likely benign for Hereditary cancer-predisposing syndrome. Last evaluated: 2018-11-13. Review status: criteria provided, single submitter. Criteria: Ambry Variant Classification Scheme 2023. Collection method: clinical testing. Allele origin: germline.